The following is an entry in ClinVar:

NM_004958.4(MTOR):c.6469G>A (p.Ala2157Thr)

Gene: MTOR (mechanistic target of rapamycin kinase; minus strand). Cytogenetic location: 1p36.22.
Variant type: single nucleotide variant.
Coding change: c.6469G>A on transcript NM_004958.4 (MANE Select); coding-DNA position 6469, G replaced by A.
Protein change: p.Ala2157Thr; replaces alanine 2157 with threonine.
Molecular consequence: missense variant.
Genome position (GRCh38, 1-based): chr1:11,126,679, C>T on the plus strand (G>A on the coding strand, the complement: MTOR is on the minus strand). VCF-style: chr1-11126679-C-T. GRCh37 (hg19) VCF-style: chr1-11186736-C-T.
Other names: c.6469G>A, p.Ala2157Thr (NM_001386500.1); c.5221G>A, p.Ala1741Thr (NM_001386501.1); short protein forms A1741T, A2157T.
Identifiers: ClinVar variation 1430651 (VCV001430651.8), dbSNP rs2100396454, ClinGen allele CA338389549.

ClinVar aggregate classification (germline): Uncertain significance (1 of 4 stars; one submission).

Submission:

Labcorp Genetics (formerly Invitae), Labcorp
Classification: Uncertain significance. Last evaluated: 2021-05-31. Review status: criteria provided, single submitter. Criteria: Invitae Variant Classification Sherloc (09022015). Collection method: clinical testing. Allele origin: germline.
Comment: In summary, the available evidence is currently insufficient to determine the role of this variant in disease. Therefore, it has been classified as a Variant of Uncertain Significance. This sequence change replaces alanine with threonine at codon 2157 of the MTOR protein (p.Ala2157Thr). The alanine residue is moderately conserved and there is a small physicochemical difference between alanine and threonine. This variant is not present in population databases (ExAC no frequency). This variant has not been reported in the literature in individuals with MTOR-related conditions. Advanced modeling of protein sequence and biophysical properties (such as structural, functional, and spatial information, amino acid conservation, physicochemical variation, residue mobility, and thermodynamic stability) performed at Invitae indicates that this missense variant is not expected to disrupt MTOR protein function.